The following is an entry in ClinVar:

ClinVar aggregate classification (germline): Uncertain significance. Review status: criteria provided, multiple submitters, no conflicts (2 of 4 stars). 2 submissions from 2 submitters: Uncertain significance (2). Last evaluated 2025-11-19.

Conditions:
Hereditary cancer-predisposing syndrome. Also called: Neoplastic Syndromes, Hereditary; Hereditary neoplastic syndrome; Tumor predisposition; Hereditary Cancer Syndrome. Identifiers: Orphanet 140162, MedGen C0027672, MeSH D009386, MONDO:0015356.
Cardiovascular phenotype. Identifiers: MedGen CN230736.
Neurofibromatosis, type 1 (NF1). Also called: Peripheral type neurofibromatosis; VON RECKLINGHAUSEN DISEASE; Neurofibromatosis, type I; NEUROFIBROMATOSIS, TYPE I, SOMATIC. Identifiers: Orphanet 636, MedGen C0027831, MONDO:0018975, OMIM 162200. Disease mechanism: loss of function.

Allele frequency attached by ClinVar (database versions not stated): gnomAD exomes below 0.00001; TOPMed below 0.00001.
gnomAD v4.1: 2 of 1,614,104 alleles (0.00012%); highest among the groups gnomAD compares: Non-Finnish European, 0.00017%; no homozygotes.

Submissions (2):

Ambry Genetics
Classification: Uncertain significance for Cardiovascular phenotype; Hereditary cancer-predisposing syndrome. Last evaluated: 2025-11-19. Review status: criteria provided, single submitter. Criteria: Ambry Variant Classification Scheme 2023. Collection method: clinical testing. Allele origin: germline.
Comment: The p.S2796F variant (also known as c.8387C>T), located in coding exon 57 of the NF1 gene, results from a C to T substitution at nucleotide position 8387. The serine at codon 2796 is replaced by phenylalanine, an amino acid with highly dissimilar properties. This amino acid position is conserved. In addition, the in silico prediction for this alteration is inconclusive. Based on the available evidence, the clinical significance of this variant remains unclear.

Labcorp Genetics (formerly Invitae), Labcorp
Classification: Uncertain significance for Neurofibromatosis, type 1. Last evaluated: 2025-10-05. Review status: criteria provided, single submitter. Criteria: Invitae Variant Classification Sherloc (09022015). Collection method: clinical testing. Allele origin: germline.
Comment: This sequence change replaces serine, which is neutral and polar, with phenylalanine, which is neutral and non-polar, at codon 2796 of the NF1 protein (p.Ser2796Phe). This variant is not present in population databases (gnomAD no frequency). This variant has not been reported in the literature in individuals affected with NF1-related conditions. ClinVar contains an entry for this variant (Variation ID: 842822). Invitae Evidence Modeling of protein sequence and biophysical properties (such as structural, functional, and spatial information, amino acid conservation, physicochemical variation, residue mobility, and thermodynamic stability) has been performed for this missense variant. However, the output from this modeling did not meet the statistical confidence thresholds required to predict the impact of this variant on NF1 protein function. In summary, the available evidence is currently insufficient to determine the role of this variant in disease. Therefore, it has been classified as a Variant of Uncertain Significance.

NM_001042492.3(NF1):c.8450C>T (p.Ser2817Phe)

Gene: NF1 (neurofibromin 1; plus strand). Cytogenetic location: 17q11.2.
Variant type: single nucleotide variant.
Coding change: c.8450C>T on transcript NM_001042492.3 (MANE Select); coding-DNA position 8450, C replaced by T.
Protein change: p.Ser2817Phe; replaces serine 2817 with phenylalanine.
Molecular consequence: missense variant.
Genome position (GRCh38, 1-based): chr17:31,374,085, C>T. VCF-style: chr17-31374085-C-T. GRCh37 (hg19) VCF-style: chr17-29701103-C-T.
Other names: c.8387C>T, p.Ser2796Phe (NM_000267.4); short protein forms S2817F, S2796F.
Identifiers: ClinVar variation 842822 (VCV000842822.9), dbSNP rs1048863798, ClinGen allele CA289712494.
Genomic context (GRCh38, chr17:31,374,085, plus strand): 5'-AGAACGTTGAACTCTCCCCTACCACTGGCCACTGTAACAGTGGACGAACTCGCCACGGAT[C>T]CGCAAGCCAAGTGCAGAAGCAAAGAAGCGCTGGCAGTTTCAAACGTAATAGCATTAAGAA-3'
Protein context (NP_001035957.1, residues 2807-2827): HCNSGRTRHG[Ser2817Phe]ASQVQKQRSA